The following is an entry in ClinVar:

NM_001103.4(ACTN2):c.1519A>G (p.Met507Val)

Gene: ACTN2 (actinin alpha 2; plus strand). Cytogenetic location: 1q43.
Variant type: single nucleotide variant.
Coding change: c.1519A>G on transcript NM_001103.4 (MANE Select); coding-DNA position 1519, A replaced by G.
Protein change: p.Met507Val; replaces methionine 507 with valine.
Molecular consequence: missense variant.
Genome position (GRCh38, 1-based): chr1:236,749,127, A>G. VCF-style: chr1-236749127-A-G. GRCh37 (hg19) VCF-style: chr1-236912427-A-G.
Other names: c.1519A>G, p.Met507Val (NM_001278343.2); c.895A>G, p.Met299Val (NM_001278344.2); short protein forms M507V, M299V.
Identifiers: ClinVar variation 162735 (VCV000162735.27), dbSNP rs144553482, ClinGen allele CA175229.

ClinVar aggregate classification (germline): Conflicting classifications of pathogenicity. Review status: criteria provided, conflicting classifications (1 of 4 stars). 8 submissions from 8 submitters: Uncertain significance (1); Likely benign (7). Last evaluated 2026-01-18.

Conditions:
Cardiovascular phenotype. Identifiers: MedGen CN230736.
ACTN2-related disorder. Also called: ACTN2-related disorders; ACTN2 related condition.
Dilated cardiomyopathy 1AA (CMD1AA). Also called: CARDIOMYOPATHY, DILATED, 1AA, WITH OR WITHOUT LEFT VENTRICULAR NONCOMPACTION; CARDIOMYOPATHY, FAMILIAL HYPERTROPHIC, 23, WITH OR WITHOUT LEFT VENTRICULAR NONCOMPACTION; Cardiomyopathy, dilated, 1AA, with or without LVNC. Identifiers: Orphanet 154, MedGen C2677338, MONDO:0012808, OMIM 612158.
Primary familial hypertrophic cardiomyopathy (HCM). Identifiers: Orphanet 99739, MedGen C0949658, MeSH D024741, MONDO:0024573. Inheritance: Various modes of inheritance.

Allele frequency attached by ClinVar (database versions not stated): gnomAD exomes 0.00004 and 0.00012; ExAC 0.00012; gnomAD 0.00045 and 0.00048; TOPMed 0.00052; ESP Exome Variant Server 0.00085.
gnomAD v4.1: 124 of 1,614,192 alleles (0.0077%); highest among the groups gnomAD compares: African/African-American, 0.16%; 1 homozygote.

Submissions (8):

Labcorp Genetics (formerly Invitae), Labcorp
Classification: Likely benign for Primary familial hypertrophic cardiomyopathy; Dilated cardiomyopathy 1AA. Last evaluated: 2026-01-18. Review status: criteria provided, single submitter. Criteria: Invitae Variant Classification Sherloc (09022015). Collection method: clinical testing. Allele origin: germline.

PreventionGenetics, part of Exact Sciences
Classification: Likely benign for ACTN2-related condition. Last evaluated: 2026-01-08. Review status: criteria provided, single submitter. Criteria: ACMG Guidelines, 2015. Collection method: clinical testing. Allele origin: germline.
Comment: This variant is classified as likely benign based on ACMG/AMP sequence variant interpretation guidelines (Richards et al. 2015 PMID: 25741868, with internal and published modifications).

Molecular Diagnostic Laboratory for Inherited Cardiovascular Disease, Montreal Heart Institute
Classification: Likely benign. Last evaluated: 2025-04-09. Review status: criteria provided, single submitter. Criteria: ACMG Guidelines, 2015. Collection method: clinical testing. Allele origin: germline. Affected: no.

Blueprint Genetics
Classification: Likely benign. Last evaluated: 2021-07-16. Review status: criteria provided, single submitter. Criteria: ACMG Guidelines, 2015. Collection method: clinical testing. Allele origin: germline.

GeneDx
Classification: Likely benign. Last evaluated: 2020-10-01. Review status: criteria provided, single submitter. Criteria: GeneDx Variant Classification Process June 2021. Collection method: clinical testing. Allele origin: germline. Affected: yes.

Ambry Genetics
Classification: Likely benign for Cardiovascular phenotype. Last evaluated: 2018-03-08. Review status: criteria provided, single submitter. Criteria: Ambry Variant Classification Scheme 2023. Collection method: clinical testing. Allele origin: germline.

Illumina Laboratory Services, Illumina
Classification: Uncertain significance for Dilated cardiomyopathy 1AA. Last evaluated: 2018-01-12. Review status: criteria provided, single submitter. Criteria: ICSL Variant Classification Criteria 13 December 2019. Collection method: clinical testing. Allele origin: germline.

Laboratory for Molecular Medicine, Mass General Brigham Personalized Medicine
Classification: Likely benign. Last evaluated: 2013-12-24. Review status: criteria provided, single submitter. Criteria: LMM Criteria. Collection method: clinical testing. Allele origin: germline. Observed: 1 variant allele.
Comment: Met507Val in exon 14 of ACTN2: This variant is not expected to have clinical sig nificance because it has been identified in 0.25% (11/4406) of African American chromosomes by the NHLBI Exome Sequencing Project (EVS/; dbSNP rs144553482) and because there is a lack of conservation across spec ies. Of note, several turtle and fish species have a valine (Val) at this positi on despite high nearby amino acid conservation. In addition, computational analy ses (PolyPhen2, SIFT, AlignGVGD) do not suggest a high likelihood of impact to t he protein. Met507Val in exon 14 of ACTN2 (rs144553482; allele frequency = 0.2 5%, 11/4406) **